The following is an entry in ClinVar:

NM_001267550.2(TTN):c.46696+1G>A

Genes: TTN-AS1 (TTN antisense RNA 1; plus strand), TTN (titin; minus strand). Cytogenetic location: 2q31.2.
Variant type: single nucleotide variant.
Coding change: c.46696+1G>A on transcript NM_001267550.2 (MANE Select); the canonical splice donor site of the intron after coding-DNA position 46696, G replaced by A.
Molecular consequence: splice donor variant.
Genome position (GRCh38, 1-based): chr2:178,619,620, C>T on the plus strand (G>A on the coding strand, the complement: TTN is on the minus strand). VCF-style: chr2-178619620-C-T. GRCh37 (hg19) VCF-style: chr2-179484347-C-T.
Other names: c.19501+1G>A (NM_003319.4); c.20077+1G>A (NM_133437.4); c.19876+1G>A (NM_133432.3); c.38992+1G>A (NM_133378.4); c.41773+1G>A (NM_001256850.1).
Identifiers: ClinVar variation 424474 (VCV000424474.3), dbSNP rs1064796987, ClinGen allele CA16617375.

ClinVar aggregate classification (germline): Conflicting classifications of pathogenicity. Review status: criteria provided, conflicting classifications (1 of 4 stars). 2 submissions from 2 submitters: Likely pathogenic (1); Uncertain significance (1). Last evaluated 2025-03-15.

Conditions:
Dilated cardiomyopathy 1G (CMD1G). Identifiers: Orphanet 154, MedGen C1858763, MONDO:0011400, OMIM 604145.
Autosomal recessive limb-girdle muscular dystrophy type 2J (LGMDR10). Also called: MUSCULAR DYSTROPHY, LIMB-GIRDLE, AUTOSOMAL RECESSIVE 10; Limb-girdle muscular dystrophy, type 2J. Identifiers: Orphanet 140922, MedGen C1837342, MONDO:0012127, OMIM 608807.

Allele frequency attached by ClinVar (database versions not stated): gnomAD exomes below 0.00001.
gnomAD v4.1: 1 of 1,611,246 alleles (0.000062%); highest among the groups gnomAD compares: Non-Finnish European, 0.000085%; no homozygotes.

Submissions (2):

Labcorp Genetics (formerly Invitae), Labcorp
Classification: Likely pathogenic for Dilated cardiomyopathy 1G; Autosomal recessive limb-girdle muscular dystrophy type 2J. Last evaluated: 2025-03-15. Review status: criteria provided, single submitter. Criteria: Invitae Variant Classification Sherloc (09022015). Collection method: clinical testing. Allele origin: germline.
Comment: This sequence change affects a donor splice site in intron 250 of the TTN gene. It is expected to disrupt RNA splicing and likely results in a truncated or disrupted TTN protein. This variant is not present in population databases (gnomAD no frequency). This variant has not been observed in the literature in individuals with autosomal recessive TTN-related conditions. This variant has been reported in individual(s) with autosomal dominant dilated cardiomyopathy (internal data); however, the role of the variant in this condition is currently unclear. ClinVar contains an entry for this variant (Variation ID: 424474). Algorithms developed to predict the effect of sequence changes on RNA splicing suggest that this variant may disrupt the consensus splice site. This variant is located in the I band of TTN (PMID: 25589632). Truncating variants in this region have been reported in individuals affected with autosomal recessive centronuclear myopathy (PMID: 23975875, internal data). Truncating variants in this region have also been identified in individuals affected with autosomal dominant dilated cardiomyopathy and/or cardio-related conditions (PMID: 27869827, 32964742, internal data). In summary, the currently available evidence indicates that the variant is pathogenic, but additional data are needed to prove that conclusively. Therefore, this variant has been classified as Likely Pathogenic.

GeneDx
Classification: Uncertain significance. Last evaluated: 2017-03-20. Review status: criteria provided, single submitter. Criteria: GeneDx Variant Classification (06012015). Collection method: clinical testing. Allele origin: germline. Affected: yes.
Comment: The c.41773+1 G>A variant has not been published as pathogenic or been reported as benign to our knowledge. It destroys the canonical splice donor site in intron 200 and is predicted to cause abnormal gene splicing. This variant is predicted to lead to either an abnormal message that is subject to nonsense-mediated mRNA decay, or to an abnormal protein product if the message is used for protein translation. Additionally, the c.41773+1 G>A variant is not observed in large population cohorts (Lek et al., 2016; 1000 Genomes Consortium et al., 2015; Exome Variant Server). Other splice site variants in the TTN gene have been reported in HGMD in association with cardiomyopathy (Stenson et al., 2014). Nevertheless, the majority of pathogenic variants reported in association with autosomal dominant dilated cardiomyopathy (DCM) are truncating variants in the A-band region of titin, while the clinical significance of variants in the I-band, where c.41773+1 G>A occurs, is not well characterized. Furthermore, truncating TTN variants have been reported in approximately 3% of control alleles (Herman et al., 2012).

Literature cited by the submitters: PubMed 25589632 (cited by Labcorp Genetics (formerly Invitae), Labcorp); PubMed 23975875 (cited by Labcorp Genetics (formerly Invitae), Labcorp); PubMed 27869827 (cited by Labcorp Genetics (formerly Invitae), Labcorp); PubMed 32964742 (cited by Labcorp Genetics (formerly Invitae), Labcorp).